The following is an entry in ClinVar:

ClinVar aggregate classification (germline): Uncertain significance. Review status: criteria provided, multiple submitters, no conflicts (2 of 4 stars). 2 submissions from 2 submitters: Uncertain significance (2). Last evaluated 2024-07-02.

Conditions:
Hereditary cancer-predisposing syndrome. Also called: Tumor predisposition; Hereditary neoplastic syndrome; Neoplastic Syndromes, Hereditary; Hereditary Cancer Syndrome. Identifiers: Orphanet 140162, MedGen C0027672, MeSH D009386, MONDO:0015356.
Familial adenomatous polyposis 1 (FAP1). Also called: FAMILIAL ADENOMATOUS POLYPOSIS 1, ATTENUATED; POLYPOSIS, ADENOMATOUS INTESTINAL. Identifiers: MedGen C2713442, MONDO:0021056, OMIM 175100. Disease mechanism: loss of function.

Allele frequency attached by ClinVar (database versions not stated): gnomAD exomes below 0.00001; ExAC 0.00001.
gnomAD v4.1: 1 of 1,613,940 alleles (0.000062%); highest among the groups gnomAD compares: South Asian, 0.0011%; no homozygotes.

Submissions (2):

Labcorp Genetics (formerly Invitae), Labcorp
Classification: Uncertain significance for Familial adenomatous polyposis 1. Last evaluated: 2024-07-02. Review status: criteria provided, single submitter. Criteria: Invitae Variant Classification Sherloc (09022015). Collection method: clinical testing. Allele origin: germline.
Comment: This sequence change replaces alanine, which is neutral and non-polar, with threonine, which is neutral and polar, at codon 501 of the APC protein (p.Ala501Thr). This variant is present in population databases (rs767897109, gnomAD 0.003%). This variant has not been reported in the literature in individuals affected with APC-related conditions. ClinVar contains an entry for this variant (Variation ID: 846426). Advanced modeling of protein sequence and biophysical properties (such as structural, functional, and spatial information, amino acid conservation, physicochemical variation, residue mobility, and thermodynamic stability) performed at Invitae indicates that this missense variant is not expected to disrupt APC protein function with a negative predictive value of 95%. In summary, the available evidence is currently insufficient to determine the role of this variant in disease. Therefore, it has been classified as a Variant of Uncertain Significance.

Ambry Genetics
Classification: Uncertain significance for Hereditary cancer-predisposing syndrome. Last evaluated: 2023-07-17. Review status: criteria provided, single submitter. Criteria: Ambry Variant Classification Scheme 2023. Collection method: clinical testing. Allele origin: germline.
Comment: The p.A501T variant (also known as c.1501G>A), located in coding exon 11 of the APC gene, results from a G to A substitution at nucleotide position 1501. The alanine at codon 501 is replaced by threonine, an amino acid with similar properties. This amino acid position is conserved. In addition, in silico predictors for this gene do not accurately predict pathogenicity. Since supporting evidence is limited at this time, the clinical significance of this alteration remains unclear.

NM_000038.6(APC):c.1501G>A (p.Ala501Thr)

Gene: APC (APC regulator of Wnt signaling pathway; plus strand). Cytogenetic location: 5q22.2.
Variant type: single nucleotide variant.
Coding change: c.1501G>A on transcript NM_000038.6 (MANE Select); coding-DNA position 1501, G replaced by A.
Protein change: p.Ala501Thr; replaces alanine 501 with threonine.
Molecular consequence: missense variant.
Genome position (GRCh38, 1-based): chr5:112,827,200, G>A. VCF-style: chr5-112827200-G-A. GRCh37 (hg19) VCF-style: chr5-112162897-G-A.
Other names: c.1501G>A, p.Ala501Thr (NM_001127510.3, NM_001354895.2); c.1447G>A, p.Ala483Thr (NM_001127511.3); c.1555G>A, p.Ala519Thr (NM_001354896.2); c.1531G>A, p.Ala511Thr (NM_001354897.2); c.1426G>A, p.Ala476Thr (NM_001354898.2); c.1417G>A, p.Ala473Thr (NM_001354899.2); c.1378G>A, p.Ala460Thr (NM_001354900.2); c.1324G>A, p.Ala442Thr (NM_001354901.2); and 5 more; short protein forms A341T, A375T, A410T, A473T, A476T, A501T, A460T, A442T.
Identifiers: ClinVar variation 846426 (VCV000846426.12), dbSNP rs767897109, ClinGen allele CA028038.
Genomic context (GRCh38, chr5:112,827,200, plus strand): 5'-GTGGACTGTGAAATGTATGGGCTTACTAATGACCACTACAGTATTACACTAAGACGATAT[G>A]CTGGAATGGCTTTGACAAACTTGACTTTTGGAGATGTAGCCAACAAGGTATGTTTTTATA-3'
Protein context (NP_000029.2, residues 491-511): DHYSITLRRY[Ala501Thr]GMALTNLTFG